The following is an entry in ClinVar:

ClinVar aggregate classification (germline): Uncertain significance. Review status: criteria provided, multiple submitters, no conflicts (2 of 4 stars). 2 submissions from 2 submitters: Uncertain significance (2). Last evaluated 2025-09-02.

Conditions:
Inborn genetic diseases. Identifiers: MedGen C0950123, MeSH D030342.

Allele frequency attached by ClinVar (database versions not stated): gnomAD exomes 0.00001; TOPMed 0.00010; gnomAD 0.00012; 1000 Genomes Project 30x 0.00016.

Submissions (2):

Labcorp Genetics (formerly Invitae), Labcorp
Classification: Uncertain significance. Last evaluated: 2025-09-02. Review status: criteria provided, single submitter. Criteria: Invitae Variant Classification Sherloc (09022015). Collection method: clinical testing. Allele origin: germline.
Comment: This sequence change replaces alanine, which is neutral and non-polar, with threonine, which is neutral and polar, at codon 161 of the BHLHA9 protein (p.Ala161Thr). This variant is present in population databases (no rsID available, gnomAD 0.06%). This variant has not been reported in the literature in individuals affected with BHLHA9-related conditions. ClinVar contains an entry for this variant (Variation ID: 1917104). An algorithm developed to predict the effect of missense changes on protein structure and function outputs the following: PolyPhen-2: "Possibly Damaging". The threonine amino acid residue is found in multiple mammalian species, which suggests that this missense change does not adversely affect protein function. In summary, the available evidence is currently insufficient to determine the role of this variant in disease. Therefore, it has been classified as a Variant of Uncertain Significance.

Ambry Genetics
Classification: Uncertain significance for Inborn genetic diseases. Last evaluated: 2025-08-21. Review status: criteria provided, single submitter. Criteria: Ambry Variant Classification Scheme 2023. Collection method: clinical testing. Allele origin: germline.

NM_001164405.2(BHLHA9):c.481G>A (p.Ala161Thr)

Gene: BHLHA9 (basic helix-loop-helix family member a9; plus strand). Cytogenetic location: 17p13.3.
Variant type: single nucleotide variant.
Coding change: c.481G>A on transcript NM_001164405.2 (MANE Select); coding-DNA position 481, G replaced by A.
Protein change: p.Ala161Thr; replaces alanine 161 with threonine.
Molecular consequence: missense variant.
Genome position (GRCh38, 1-based): chr17:1,271,044, G>A. VCF-style: chr17-1271044-G-A. GRCh37 (hg19) VCF-style: chr17-1174338-G-A.
Other names: c.481G>A (NM_001164405.1); short protein forms A161T.
Identifiers: ClinVar variation 1917104 (VCV001917104.6), dbSNP rs866190942, ClinGen allele CA286779114.
Genomic context (GRCh38, chr17:1,271,044, plus strand): 5'-GCGCGCGGGGACACCGGGGACACAGGCGCCAGCCCCCCGCCGCCTGCAGGGCCCAGCCTC[G>A]CGCGCCCAGACGCCGCCCGCCCCTCGGTGCCGTCCGCGCCCCGCTGCGCCTCGTGCCCCC-3'
Protein context (NP_001157877.1, residues 151-171): SPPPPAGPSL[Ala161Thr]RPDAARPSVP